The following is an entry in ClinVar:

NC_000020.10:g.(?_61471874)_(61472084_?)dup

Gene: COL9A3 (collagen type IX alpha 3 chain; plus strand). Cytogenetic location: 20q13.33.
Variant type: Duplication.
Identifiers: ClinVar variation 2424269 (VCV002424269.4).

ClinVar aggregate classification (germline): Uncertain significance (1 of 4 stars; one submission).

Submission:

Labcorp Genetics (formerly Invitae), Labcorp
Classification: Uncertain significance. Last evaluated: 2023-04-09. Review status: criteria provided, single submitter. Criteria: Invitae Variant Classification Sherloc (09022015). Collection method: clinical testing. Allele origin: germline.
Comment: In summary, the available evidence is currently insufficient to determine the role of this variant in disease. Therefore, it has been classified as a Variant of Uncertain Significance. This variant has not been reported in the literature in individuals affected with COL9A3-related conditions. This variant results in a copy number gain of the genomic region encompassing exon(s) 32 of the COL9A3 gene. This region includes the termination codon of the gene. This copy number gain extends beyond the assayed region for this gene and therefore may encompass additional genes. As the precise location of this event is unknown, it may be in tandem or it may be located elsewhere in the genome.